The following is an entry in ClinVar:

ClinVar aggregate classification (germline): Uncertain significance (1 of 4 stars; one submission).

Submission:

Labcorp Genetics (formerly Invitae), Labcorp
Classification: Uncertain significance. Last evaluated: 2025-07-03. Review status: criteria provided, single submitter. Criteria: Invitae Variant Classification Sherloc (09022015). Collection method: clinical testing. Allele origin: germline.
Comment: This sequence change replaces leucine, which is neutral and non-polar, with valine, which is neutral and non-polar, at codon 474 of the TAOK2 protein (p.Leu474Val). This variant is not present in population databases (gnomAD no frequency). This variant has not been reported in the literature in individuals affected with TAOK2-related conditions. An algorithm developed to predict the effect of missense changes on protein structure and function (PolyPhen-2) suggests that this variant is likely to be tolerated. In summary, the available evidence is currently insufficient to determine the role of this variant in disease. Therefore, it has been classified as a Variant of Uncertain Significance.

NM_016151.4(TAOK2):c.1420C>G (p.Leu474Val)

Gene: TAOK2 (TAO kinase 2; plus strand). Cytogenetic location: 16p11.2.
Variant type: single nucleotide variant.
Coding change: c.1420C>G on transcript NM_016151.4 (MANE Select); coding-DNA position 1420, C replaced by G.
Protein change: p.Leu474Val; replaces leucine 474 with valine.
Molecular consequence: missense variant.
Genome position (GRCh38, 1-based): chr16:29,983,662, C>G. VCF-style: chr16-29983662-C-G. GRCh37 (hg19) VCF-style: chr16-29994983-C-G.
Other names: c.1420C>G, p.Leu474Val (NM_001252043.2, NM_004783.4); short protein forms L474V.
Identifiers: ClinVar variation 4722234 (VCV004722234.1).